The following is an entry in ClinVar:

NM_006035.4(CDC42BPB):c.2821+37A>G

Gene: CDC42BPB (CDC42 binding protein kinase beta; minus strand). Cytogenetic location: 14q32.32.
Variant type: single nucleotide variant.
Coding change: c.2821+37A>G on transcript NM_006035.4 (MANE Select); 37 bases into the intron after coding-DNA position 2821, A replaced by G.
Molecular consequence: intron variant.
Genome position (GRCh38, 1-based): chr14:102,963,024, T>C on the plus strand (A>G on the coding strand, the complement: CDC42BPB is on the minus strand). VCF-style: chr14-102963024-T-C. GRCh37 (hg19) VCF-style: chr14-103429361-T-C.
Other names: c.2821+37A>G (NM_001411054.1).
Identifiers: ClinVar variation 5005285 (VCV005005285.2).

ClinVar aggregate classification (germline): Uncertain significance (1 of 4 stars; one submission).

Conditions:
Chilton-Okur-Chung neurodevelopmental syndrome (CHOCNS). Identifiers: MedGen C5677022, MONDO:0859239, OMIM 619841.

gnomAD v4.1: 2 of 949,940 alleles (0.00021%); highest among the groups gnomAD compares: Non-Finnish European, 0.00033%; no homozygotes.

Submission:

Juno Genomics, Hangzhou Juno Genomics, Inc
Classification: Uncertain significance for Chilton-Okur-Chung neurodevelopmental syndrome. Review status: criteria provided, single submitter. Criteria: ACMG Guidelines, 2015. Collection method: clinical testing. Allele origin: germline.
Comment: Absent from controls (or at extremely low frequency if recessive) in Genome Aggregation Database.;Multiple lines of computational evidence support a deleterious effect on the gene or gene product.